The following is an entry in ClinVar:

NM_002230.4(JUP):c.73G>A (p.Gly25Ser)

Gene: JUP (junction plakoglobin; minus strand). Cytogenetic location: 17q21.2.
Variant type: single nucleotide variant.
Coding change: c.73G>A on transcript NM_002230.4 (MANE Select); coding-DNA position 73, G replaced by A.
Protein change: p.Gly25Ser; replaces glycine 25 with serine.
Molecular consequence: missense variant.
Genome position (GRCh38, 1-based): chr17:41,771,782, C>T on the plus strand (G>A on the coding strand, the complement: JUP is on the minus strand). VCF-style: chr17-41771782-C-T. GRCh37 (hg19) VCF-style: chr17-39928034-C-T.
Other names: c.73G>A, p.Gly25Ser (NM_001352773.2, NM_001352774.2, NM_001352775.2 and 3 more transcripts); short protein forms G25S.
Identifiers: ClinVar variation 1758723 (VCV001758723.2), dbSNP rs2544216733, ClinGen allele CA399507106.
Genomic context (GRCh38, chr17:41,771,782, plus strand): 5'-CCTCCATGATGCCCTTGCTGCTGACGGAGGGCACGCAGGTGTTGGCGCCCGAGTGGATAC[C>T]CGAGTCGTAGGTGTATGTCTGCTGCCACTCAGTCACCTTGATAGGCTGCTCCATCAGGTT-3'
Protein context (NP_002221.1, residues 15-35): EWQQTYTYDS[Gly25Ser]IHSGANTCVP

ClinVar aggregate classification (germline): Uncertain significance (1 of 4 stars; one submission).

Conditions:
Cardiovascular phenotype. Identifiers: MedGen CN230736.

Allele frequency attached by ClinVar (database versions not stated): gnomAD exomes below 0.00001.
gnomAD v4.1: 4 of 1,614,014 alleles (0.00025%); highest among the groups gnomAD compares: Non-Finnish European, 0.00034%; no homozygotes.

Submission:

Ambry Genetics
Classification: Uncertain significance for Cardiovascular phenotype. Last evaluated: 2022-09-13. Review status: criteria provided, single submitter. Criteria: Ambry Variant Classification Scheme 2023. Collection method: clinical testing. Allele origin: germline.
Comment: The p.G25S variant (also known as c.73G>A), located in coding exon 1 of the JUP gene, results from a G to A substitution at nucleotide position 73. The glycine at codon 25 is replaced by serine, an amino acid with similar properties. This amino acid position is conserved. In addition, the in silico prediction for this alteration is inconclusive. Since supporting evidence is limited at this time, the clinical significance of this alteration remains unclear.